The following is an entry in ClinVar:

ClinVar aggregate classification (germline): Uncertain significance. Review status: criteria provided, multiple submitters, no conflicts (2 of 4 stars). 3 submissions from 3 submitters: Uncertain significance (3). Last evaluated 2025-11-28.

Conditions:
Cardiovascular phenotype. Identifiers: MedGen CN230736.
Dilated cardiomyopathy 1W (CMD1W). Identifiers: Orphanet 154, MedGen C1969639, MONDO:0012667, OMIM 611407.

Allele frequency attached by ClinVar (database versions not stated): TOPMed 0.00001; gnomAD exomes 0.00004 and 0.00005; ExAC 0.00007.
gnomAD v4.1: 28 of 1,614,152 alleles (0.0017%); highest among the groups gnomAD compares: East Asian, 0.06%; no homozygotes.

Submissions (3):

Labcorp Genetics (formerly Invitae), Labcorp
Classification: Uncertain significance for Dilated cardiomyopathy 1W. Last evaluated: 2025-11-28. Review status: criteria provided, single submitter. Criteria: Invitae Variant Classification Sherloc (09022015). Collection method: clinical testing. Allele origin: germline.
Comment: This sequence change replaces lysine, which is basic and polar, with glutamic acid, which is acidic and polar, at codon 464 of the VCL protein (p.Lys464Glu). This variant is present in population databases (rs200710859, gnomAD 0.06%). This missense change has been observed in individual(s) with hypertrophic cardiomyopathy (PMID: 33658040). ClinVar contains an entry for this variant (Variation ID: 837521). An algorithm developed to predict the effect of missense changes on protein structure and function (PolyPhen-2) suggests that this variant is likely to be disruptive. In summary, the available evidence is currently insufficient to determine the role of this variant in disease. Therefore, it has been classified as a Variant of Uncertain Significance.

Ambry Genetics
Classification: Uncertain significance for Cardiovascular phenotype. Last evaluated: 2021-07-18. Review status: criteria provided, single submitter. Criteria: Ambry Variant Classification Scheme 2023. Collection method: clinical testing. Allele origin: germline.
Comment: The p.K464E variant (also known as c.1390A>G), located in coding exon 11 of the VCL gene, results from an A to G substitution at nucleotide position 1390. The lysine at codon 464 is replaced by glutamic acid, an amino acid with similar properties. This amino acid position is conserved. In addition, the in silico prediction for this alteration is inconclusive. Since supporting evidence is limited at this time, the clinical significance of this alteration remains unclear.

Illumina Laboratory Services, Illumina
Classification: Uncertain significance for Dilated cardiomyopathy 1W. Last evaluated: 2018-01-12. Review status: criteria provided, single submitter. Criteria: ICSL Variant Classification Criteria 13 December 2019. Collection method: clinical testing. Allele origin: germline.

Literature cited by the submitters: PubMed 33658040 (cited by Labcorp Genetics (formerly Invitae), Labcorp).

NM_014000.3(VCL):c.1390A>G (p.Lys464Glu)

Gene: VCL (vinculin; plus strand). Cytogenetic location: 10q22.2.
Variant type: single nucleotide variant.
Coding change: c.1390A>G on transcript NM_014000.3 (MANE Select); coding-DNA position 1390, A replaced by G.
Protein change: p.Lys464Glu; replaces lysine 464 with glutamic acid.
Molecular consequence: missense variant.
Genome position (GRCh38, 1-based): chr10:74,094,308, A>G. VCF-style: chr10-74094308-A-G. GRCh37 (hg19) VCF-style: chr10-75854066-A-G.
Other names: c.1390A>G, p.Lys464Glu (NM_003373.4); short protein forms K464E.
Identifiers: ClinVar variation 837521 (VCV000837521.15), dbSNP rs200710859, ClinGen allele CA5563001.